The following is an entry in ClinVar:

NM_001378615.1(CC2D2A):c.1988_1991dup (p.Asp664delinsGluTer)

Genes: CC2D2A (coiled-coil and C2 domain containing 2A; plus strand), FBXL5 (F-box and leucine rich repeat protein 5; minus strand). Cytogenetic location: 4p15.32.
Variant type: Duplication.
Coding change: c.1988_1991dup on transcript NM_001378615.1 (MANE Select); coding-DNA positions 1988 to 1991, 4 bases duplicated (ATGA; older notation c.1988_1991dupATGA).
Protein change: p.Asp664delinsGluTer.
Molecular consequence: nonsense.
Genome position (GRCh38, 1-based): chr4:15,538,122-15,538,125, ATGA duplicated; duplicating any 4 consecutive bases within chr4:15,538,121-15,538,125 gives the same sequence; the c. name uses the placement nearest the transcript's 3' end. VCF-style (leftmost placement, unchanged base first): chr4-15538120-C-CAATG. GRCh37 (hg19) VCF-style: chr4-15539743-C-CAATG.
Other names: c.1988_1991dup, p.Asp664delinsGluTer (NM_001080522.2); c.1841_1844dup, p.Asp615delinsGluTer (NM_001378617.1).
Identifiers: ClinVar variation 3590293 (VCV003590293.2).

ClinVar aggregate classification (germline): Pathogenic/Likely pathogenic. Review status: criteria provided, multiple submitters, no conflicts (2 of 4 stars). 2 submissions from 2 submitters: Pathogenic (1); Likely pathogenic (1). Last evaluated 2025-05-27.

Conditions:
Joubert syndrome and related disorders. Identifiers: Orphanet 140874, MedGen C5679612, MONDO:0015369.
Retinitis pigmentosa 93. Identifiers: MedGen C5676970, MONDO:0030797, OMIM 619845.
COACH syndrome 2. Identifiers: MedGen C5436837, MONDO:0030859, OMIM 619111.
Meckel syndrome, type 6. Identifiers: Orphanet 564, MedGen C2676790, MONDO:0012848, OMIM 612284.
Joubert syndrome 9 (JBTS9). Identifiers: Orphanet 2318, MedGen C2676788, MONDO:0012849, OMIM 612285.

Submissions (2):

Myriad Genetics, Inc.
Classification: Pathogenic for Joubert syndrome and related disorders. Last evaluated: 2025-05-27. Review status: criteria provided, single submitter. Criteria: Myriad Autosomal Dominant, Autosomal Recessive and X-Linked Classification Criteria (2023). Collection method: clinical testing. Allele origin: unknown.
Comment: NM_001080522.2(CC2D2A):c.1988_1991dupATGA(D664Efs*2) is expected to be pathogenic in the context of CC2D2A-related disorders. This variant is predicted to lead to an abnormal or absent protein product due to the creation of a premature termination codon in CC2D2A, a gene where loss-of-function variants are known to be pathogenic. Please note: this variant was assessed in the context of healthy population screening.

Fulgent Genetics
Classification: Likely pathogenic for Meckel syndrome, type 6; Joubert syndrome 9; COACH syndrome 2; Retinitis pigmentosa 93. Last evaluated: 2024-03-23. Review status: criteria provided, single submitter. Criteria: ACMG Guidelines, 2015. Collection method: clinical testing. Allele origin: germline.